The following is an entry in ClinVar:

NM_001113378.2(FANCI):c.623A>G (p.Gln208Arg)

Gene: FANCI (FA complementation group I; plus strand). Cytogenetic location: 15q26.1.
Variant type: single nucleotide variant.
Coding change: c.623A>G on transcript NM_001113378.2 (MANE Select); coding-DNA position 623, A replaced by G.
Protein change: p.Gln208Arg; replaces glutamine 208 with arginine.
Molecular consequence: missense variant.
Genome position (GRCh38, 1-based): chr15:89,263,980, A>G. VCF-style: chr15-89263980-A-G. GRCh37 (hg19) VCF-style: chr15-89807211-A-G.
Other names: c.344A>G, p.Gln115Arg (NM_001376910.1); c.623A>G, p.Gln208Arg (NM_001376911.1, NM_018193.3); short protein forms Q115R, Q208R.
Identifiers: ClinVar variation 839791 (VCV000839791.9), dbSNP rs368033980, ClinGen allele CA274539027.

ClinVar aggregate classification (germline): Uncertain significance (1 of 4 stars; one submission).

Conditions:
Fanconi anemia (FA). Also called: Fanconi's anemia. Identifiers: Orphanet 84, MedGen C0015625, MeSH D005199, MONDO:0019391.

Allele frequency attached by ClinVar (database versions not stated): ESP Exome Variant Server 0.00008.

Submission:

Labcorp Genetics (formerly Invitae), Labcorp
Classification: Uncertain significance for Fanconi anemia. Last evaluated: 2023-05-11. Review status: criteria provided, single submitter. Criteria: Invitae Variant Classification Sherloc (09022015). Collection method: clinical testing. Allele origin: germline.
Comment: This variant is not present in population databases (gnomAD no frequency). This sequence change replaces glutamine, which is neutral and polar, with arginine, which is basic and polar, at codon 208 of the FANCI protein (p.Gln208Arg). This variant has not been reported in the literature in individuals affected with FANCI-related conditions. In summary, the available evidence is currently insufficient to determine the role of this variant in disease. Therefore, it has been classified as a Variant of Uncertain Significance. Advanced modeling of protein sequence and biophysical properties (such as structural, functional, and spatial information, amino acid conservation, physicochemical variation, residue mobility, and thermodynamic stability) performed at Invitae indicates that this missense variant is expected to disrupt FANCI protein function. ClinVar contains an entry for this variant (Variation ID: 839791).